The following is an entry in ClinVar:

NM_022089.4(ATP13A2):c.2858C>A (p.Thr953Lys)

Gene: ATP13A2 (ATPase cation transporting 13A2; minus strand). Cytogenetic location: 1p36.13.
Variant type: single nucleotide variant.
Coding change: c.2858C>A on transcript NM_022089.4 (MANE Select); coding-DNA position 2858, C replaced by A.
Protein change: p.Thr953Lys; replaces threonine 953 with lysine.
Molecular consequence: missense variant.
Genome position (GRCh38, 1-based): chr1:16,988,139, G>T on the plus strand (C>A on the coding strand, the complement: ATP13A2 is on the minus strand). VCF-style: chr1-16988139-G-T. GRCh37 (hg19) VCF-style: chr1-17314634-G-T.
Other names: c.2843C>A, p.Thr948Lys (NM_001141973.3); c.2726C>A, p.Thr909Lys (NM_001141974.3); short protein forms T953K, T909K, T948K.
Identifiers: ClinVar variation 3455284 (VCV003455284.2).

ClinVar aggregate classification (germline): Uncertain significance. Review status: criteria provided, multiple submitters, no conflicts (2 of 4 stars). 2 submissions from 2 submitters: Uncertain significance (2). Last evaluated 2025-07-11.

Conditions:
Inborn genetic diseases. Identifiers: MedGen C0950123, MeSH D030342.
Autosomal recessive spastic paraplegia type 78. Identifiers: Orphanet 513436, MedGen C5567893, MONDO:0014975, OMIM 617225.
Kufor-Rakeb syndrome (KRS). Also called: PARKINSON DISEASE 9, AUTOSOMAL RECESSIVE, JUVENILE-ONSET. Identifiers: Orphanet 306674, Orphanet 314632, MedGen C1847640, MONDO:0011706, OMIM 606693.

gnomAD v4.1: 8 of 1,612,310 alleles (0.0005%); highest among the groups gnomAD compares: African/African-American, 0.0093%; no homozygotes.

Submissions (2):

Labcorp Genetics (formerly Invitae), Labcorp
Classification: Uncertain significance for Kufor-Rakeb syndrome; Autosomal recessive spastic paraplegia type 78. Last evaluated: 2025-07-11. Review status: criteria provided, single submitter. Criteria: Invitae Variant Classification Sherloc (09022015). Collection method: clinical testing. Allele origin: germline.
Comment: This sequence change replaces threonine, which is neutral and polar, with lysine, which is basic and polar, at codon 953 of the ATP13A2 protein (p.Thr953Lys). This variant is present in population databases (rs148721722, gnomAD 0.02%). This variant has not been reported in the literature in individuals affected with ATP13A2-related conditions. ClinVar contains an entry for this variant (Variation ID: 3455284). An algorithm developed to predict the effect of missense changes on protein structure and function (PolyPhen-2) suggests that this variant is likely to be disruptive. In summary, the available evidence is currently insufficient to determine the role of this variant in disease. Therefore, it has been classified as a Variant of Uncertain Significance.

Ambry Genetics
Classification: Uncertain significance for Inborn genetic diseases. Last evaluated: 2024-11-19. Review status: criteria provided, single submitter. Criteria: Ambry Variant Classification Scheme 2023. Collection method: clinical testing. Allele origin: germline.